The following is an entry in ClinVar:

NM_000474.4(TWIST1):c.503T>G (p.Leu168Arg)

Genes: TWIST1 (twist family bHLH transcription factor 1; minus strand), LOC129998021 (ATAC-STARR-seq lymphoblastoid active region 25682; plus strand). Cytogenetic location: 7p21.1.
Variant type: single nucleotide variant.
Coding change: c.503T>G on transcript NM_000474.4 (MANE Select); coding-DNA position 503, T replaced by G.
Protein change: p.Leu168Arg; replaces leucine 168 with arginine.
Molecular consequence: missense variant. On other transcripts: non-coding transcript variant (1).
Genome position (GRCh38, 1-based): chr7:19,116,819, A>C on the plus strand (T>G on the coding strand, the complement: TWIST1 is on the minus strand). VCF-style: chr7-19116819-A-C. GRCh37 (hg19) VCF-style: chr7-19156442-A-C.
Other names: short protein forms L168R.
Identifiers: ClinVar variation 1303945 (VCV001303945.2), dbSNP rs2115396533, ClinGen allele CA367015293.
Genomic context (GRCh38, chr7:19,116,819, plus strand): 5'-GAGAAGGCGTAGCTGAGCCGCTCGTGAGCCACATAGCTGCAGCTTGCCATCTTGGAGTCC[A>C]GCTCGTCGCTCTGGAGGACCTGGTAGAGGAAGTCGATGTACCTGGCCGCCAGCTTGAGGG-3'
Protein context (NP_000465.1, residues 158-178): FLYQVLQSDE[Leu168Arg]DSKMASCSYV

ClinVar aggregate classification (germline): Uncertain significance (1 of 4 stars; one submission).

Allele frequency attached by ClinVar (database versions not stated): gnomAD exomes 0.00001.
gnomAD v4.1: 5 of 1,614,142 alleles (0.00031%); highest among the groups gnomAD compares: Non-Finnish European, 0.00042%; no homozygotes.

Submission:

GeneDx
Classification: Uncertain significance. Last evaluated: 2021-02-02. Review status: criteria provided, single submitter. Criteria: GeneDx Variant Classification Process June 2021. Collection method: clinical testing. Allele origin: germline. Affected: yes.
Comment: Not observed in large population cohorts (Lek et al., 2016); In silico analysis supports that this missense variant has a deleterious effect on protein structure/function; Has not been previously published as pathogenic or benign to our knowledge